The following is an entry in ClinVar:

NM_130849.4(SLC39A4):c.1132del (p.Leu378fs)

Gene: SLC39A4 (solute carrier family 39 member 4; minus strand). Cytogenetic location: 8q24.3.
Variant type: Deletion.
Coding change: c.1132del on transcript NM_130849.4 (MANE Select); coding-DNA position 1132, one base deleted (C; older notation c.1132delC).
Protein change: p.Leu378fs; shifts the reading frame from leucine 378.
Molecular consequence: frameshift variant.
Genome position (GRCh38, 1-based): chr8:144,414,279, G deleted on the plus strand (C on the coding strand, the reverse complement: SLC39A4 is on the minus strand); the first of 2 consecutive G bases (chr8:144,414,279-144,414,280); deleting either gives the same sequence. VCF-style (leftmost placement, unchanged base first): chr8-144414278-AG-A. GRCh37 (hg19) VCF-style: chr8-145639662-AG-A.
Other names: c.850del, p.Leu284fs (NM_001374839.1); c.1057del, p.Leu353fs (NM_017767.3); short protein forms L284fs, L378fs, L353fs.
Identifiers: ClinVar variation 1412167 (VCV001412167.6), dbSNP rs2130797430, ClinGen allele CA2573143007.

ClinVar aggregate classification (germline): Pathogenic (1 of 4 stars; one submission).

Submission:

Labcorp Genetics (formerly Invitae), Labcorp
Classification: Pathogenic. Last evaluated: 2022-08-04. Review status: criteria provided, single submitter. Criteria: Invitae Variant Classification Sherloc (09022015). Collection method: clinical testing. Allele origin: germline.
Comment: This variant is not present in population databases (gnomAD no frequency). This variant has not been reported in the literature in individuals affected with SLC39A4-related conditions. ClinVar contains an entry for this variant (Variation ID: 1412167). For these reasons, this variant has been classified as Pathogenic. This sequence change creates a premature translational stop signal (p.Leu378Cysfs*3) in the SLC39A4 gene. It is expected to result in an absent or disrupted protein product. Loss-of-function variants in SLC39A4 are known to be pathogenic (PMID: 12955721).

Literature cited by the submitters: PubMed 12955721.